The following is an entry in ClinVar:

ClinVar aggregate classification (germline): Likely pathogenic. Review status: criteria provided, multiple submitters, no conflicts (2 of 4 stars). 2 submissions from 2 submitters: Likely pathogenic (2). Last evaluated 2024-03-25.

Conditions:
Alport syndrome. Also called: Hemorrhagic familial nephritis; Hemorrhagic hereditary nephritis; Congenital hereditary hematuria. Identifiers: Orphanet 63, MedGen C1567741, MONDO:0018965.

gnomAD v4.1: 1 of 1,609,844 alleles (0.000062%); highest among the groups gnomAD compares: Non-Finnish European, 0.000085%; no homozygotes.

Submissions (2):

Natera, Inc.
Classification: Likely pathogenic for Alport syndrome. Last evaluated: 2024-03-25. Review status: criteria provided, single submitter. Criteria: Natera Variant Classification Schema (03/2026). Collection method: clinical testing. Allele origin: germline.
Comment: The c.817-1G>C variant in COL4A4 is a canonical splice acceptor site variant predicted to affect pre-mRNA splicing, which may result in an abnormal transcript and altered protein product. This variant is expected to result in nonsense mediated decay, truncation, or a dysfunctional protein product. This variant is rare in the general population with a frequency below the threshold expected for the associated phenotype(s). Given the available evidence, this variant is classified as Likely Pathogenic.

Labcorp Genetics (formerly Invitae), Labcorp
Classification: Likely pathogenic. Last evaluated: 2020-03-03. Review status: criteria provided, single submitter. Criteria: Invitae Variant Classification Sherloc (09022015). Collection method: clinical testing. Allele origin: germline.
Comment: This variant has been observed in individual(s) with Alport syndrome (Invitae). This variant is not present in population databases (ExAC no frequency). This sequence change affects an acceptor splice site in intron 13 of the COL4A4 gene. It is expected to disrupt RNA splicing and likely results in an absent or disrupted protein product. Algorithms developed to predict the effect of sequence changes on RNA splicing suggest that this variant may disrupt the consensus splice site, but this prediction has not been confirmed by published transcriptional studies. In summary, the currently available evidence indicates that the variant is pathogenic, but additional data are needed to prove that conclusively. Therefore, this variant has been classified as Likely Pathogenic. Donor and acceptor splice site variants typically lead to a loss of protein function (PMID: 16199547), and loss-of-function variants in COL4A4 are known to be pathogenic (PMID: 19129241, 21196518, 24052634, 24522496, 24854265, 25307543, 26809805, 27281700).

Literature cited by the submitters: PubMed 16199547 (cited by Labcorp Genetics (formerly Invitae), Labcorp); PubMed 19129241 (cited by Labcorp Genetics (formerly Invitae), Labcorp); PubMed 21196518 (cited by Labcorp Genetics (formerly Invitae), Labcorp); PubMed 24052634 (cited by Labcorp Genetics (formerly Invitae), Labcorp); PubMed 24522496 (cited by Labcorp Genetics (formerly Invitae), Labcorp); PubMed 24854265 (cited by Labcorp Genetics (formerly Invitae), Labcorp); PubMed 25307543 (cited by Labcorp Genetics (formerly Invitae), Labcorp); PubMed 26809805 (cited by Labcorp Genetics (formerly Invitae), Labcorp); PubMed 27281700 (cited by Labcorp Genetics (formerly Invitae), Labcorp).

NM_000092.5(COL4A4):c.817-1G>C

Gene: COL4A4 (collagen type IV alpha 4 chain; minus strand). Cytogenetic location: 2q36.3.
Variant type: single nucleotide variant.
Coding change: c.817-1G>C on transcript NM_000092.5 (MANE Select); the canonical splice acceptor site of the intron before coding-DNA position 817, G replaced by C.
Molecular consequence: splice acceptor variant.
Genome position (GRCh38, 1-based): chr2:227,103,198, C>G on the plus strand (G>C on the coding strand, the complement: COL4A4 is on the minus strand). VCF-style: chr2-227103198-C-G. GRCh37 (hg19) VCF-style: chr2-227967914-C-G.
Other names: c.817-1G>C (NM_000092.4).
Identifiers: ClinVar variation 1066840 (VCV001066840.10), dbSNP rs2150794687, ClinGen allele CA350857868.
Genomic context (GRCh38, chr2:227,103,198, plus strand): 5'-AACTACCTTGCGTCCTGGTGGTCCTGGCAGTCCAACCATTCCAGGAATTCCTTTTATACC[C>G]TAAAAATTACAATGAATATAATTTGGTCTATTCTTATTATTTAACATACTGAATTCCATC-3'